The following is an entry in ClinVar:

ClinVar aggregate classification (germline): Uncertain significance (1 of 4 stars; one submission).

Submission:

Labcorp Genetics (formerly Invitae), Labcorp
Classification: Uncertain significance. Last evaluated: 2024-12-10. Review status: criteria provided, single submitter. Criteria: Invitae Variant Classification Sherloc (09022015). Collection method: clinical testing. Allele origin: germline.
Comment: This sequence change replaces alanine, which is neutral and non-polar, with threonine, which is neutral and polar, at codon 785 of the LZTR1 protein (p.Ala785Thr). This variant is not present in population databases (gnomAD no frequency). This variant has not been reported in the literature in individuals affected with LZTR1-related conditions. Invitae Evidence Modeling of protein sequence and biophysical properties (such as structural, functional, and spatial information, amino acid conservation, physicochemical variation, residue mobility, and thermodynamic stability) indicates that this missense variant is not expected to disrupt LZTR1 protein function with a negative predictive value of 80%. In summary, the available evidence is currently insufficient to determine the role of this variant in disease. Therefore, it has been classified as a Variant of Uncertain Significance.

NM_006767.4(LZTR1):c.2353G>A (p.Ala785Thr)

Gene: LZTR1 (leucine zipper like post translational regulator 1; plus strand). Cytogenetic location: 22q11.21.
Variant type: single nucleotide variant.
Coding change: c.2353G>A on transcript NM_006767.4 (MANE Select); coding-DNA position 2353, G replaced by A.
Protein change: p.Ala785Thr; replaces alanine 785 with threonine.
Molecular consequence: missense variant.
Genome position (GRCh38, 1-based): chr22:20,996,913, G>A. VCF-style: chr22-20996913-G-A. GRCh37 (hg19) VCF-style: chr22-21351202-G-A.
Other names: short protein forms A785T.
Identifiers: ClinVar variation 3627684 (VCV003627684.2).